The following is an entry in ClinVar:

ClinVar aggregate classification (germline): Uncertain significance (1 of 4 stars; one submission).

Conditions:
Malignant hyperthermia, susceptibility to, 1 (MHS1). Also called: RYR1-Related Malignant Hyperthermia Susceptibility; Malignant hyperthermia suceptibility 1; Anesthesia related hyperthermia; Malignant hyperpyrexia; Fulminating hyperpyrexia; Pharmacogenic myopathy. Identifiers: Orphanet 423, MedGen C2930980, MONDO:0007783, OMIM 145600.

gnomAD v4.1: 9 of 1,613,562 alleles (0.00056%); highest among the groups gnomAD compares: Non-Finnish European, 0.00068%; no homozygotes.

Submission:

Color Diagnostics, LLC DBA Color Health
Classification: Uncertain significance for Malignant hyperthermia, susceptibility to, 1. Last evaluated: 2025-05-30. Review status: criteria provided, single submitter. Criteria: ACMG Guidelines, 2015. Collection method: clinical testing. Allele origin: germline.
Comment: This missense variant replaces histidine with glutamine at codon 2647 of the RYR1 protein. Computational prediction suggests that this variant may have deleterious impact on protein structure and function. To our knowledge, functional studies have not been reported for this variant. This variant has not been reported in individuals affected with RYR1-related disorders in the literature. This variant has been identified in 1/250060 chromosomes in the general population by the Genome Aggregation Database (gnomAD). The available evidence is insufficient to determine the role of this variant in disease conclusively. Therefore, this variant is classified as a Variant of Uncertain Significance.

NM_000540.3(RYR1):c.7941C>G (p.His2647Gln)

Gene: RYR1 (ryanodine receptor 1; plus strand). Cytogenetic location: 19q13.2.
Variant type: single nucleotide variant.
Coding change: c.7941C>G on transcript NM_000540.3 (MANE Select); coding-DNA position 7941, C replaced by G.
Protein change: p.His2647Gln; replaces histidine 2647 with glutamine.
Molecular consequence: missense variant.
Genome position (GRCh38, 1-based): chr19:38,504,234, C>G. VCF-style: chr19-38504234-C-G. GRCh37 (hg19) VCF-style: chr19-38994874-C-G.
Other names: c.7941C>G, p.His2647Gln (NM_001042723.2); short protein forms H2647Q.
Identifiers: ClinVar variation 4758527 (VCV004758527.1).